The following is an entry in ClinVar:

ClinVar aggregate classification (germline): Uncertain significance (1 of 4 stars; one submission).

Conditions:
Juvenile polyposis syndrome (JPS). Identifiers: Orphanet 2929, MedGen C0345893, MONDO:0017380, OMIM 174900.

Submission:

All of Us Research Program, National Institutes of Health
Classification: Uncertain significance for Juvenile polyposis syndrome. Last evaluated: 2024-08-06. Review status: criteria provided, single submitter. Criteria: ACMG Guidelines, 2015. Collection method: clinical testing. Allele origin: germline. Inheritance: Autosomal dominant inheritance. Observed: 1 variant allele, 1 heterozygote.
Comment: This study involves interpretation of variants in research participants for the purpose of population health screening. Participant phenotype was not available at the time of variant classification. Additional details can be found in publication PMID: 35346344, PMCID: PMC8962531

NM_004329.3(BMPR1A):c.1038C>A (p.His346Gln)

Gene: BMPR1A (bone morphogenetic protein receptor type 1A; plus strand). Cytogenetic location: 10q23.2.
Variant type: single nucleotide variant.
Coding change: c.1038C>A on transcript NM_004329.3 (MANE Select); coding-DNA position 1038, C replaced by A.
Protein change: p.His346Gln; replaces histidine 346 with glutamine.
Molecular consequence: missense variant. On other transcripts: non-coding transcript variant (3).
Genome position (GRCh38, 1-based): chr10:86,919,341, C>A. VCF-style: chr10-86919341-C-A. GRCh37 (hg19) VCF-style: chr10-88679098-C-A.
Other names: c.1038C>A, p.His346Gln (NM_001406572.1, NM_001406573.1, NM_001406574.1 and 19 more transcripts); c.1113C>A, p.His371Gln (NM_001406559.1); c.1086C>A, p.His362Gln (NM_001406560.1); c.1032C>A, p.His344Gln (NM_001406583.1); c.954C>A, p.His318Gln (NM_001406584.1, NM_001406585.1, NM_001406586.1 and 2 more transcripts); c.696C>A, p.His232Gln (NM_001406589.1); short protein forms H232Q, H318Q, H344Q, H346Q, H362Q, H371Q.
Identifiers: ClinVar variation 3386021 (VCV003386021.1).